The following is an entry in ClinVar:

NM_000258.3(MYL3):c.157+1G>A

Gene: MYL3 (myosin light chain 3; minus strand). Cytogenetic location: 3p21.31.
Variant type: single nucleotide variant.
Coding change: c.157+1G>A on transcript NM_000258.3 (MANE Select); the canonical splice donor site of the intron after coding-DNA position 157, G replaced by A.
Molecular consequence: splice donor variant.
Genome position (GRCh38, 1-based): chr3:46,860,959, C>T on the plus strand (G>A on the coding strand, the complement: MYL3 is on the minus strand). VCF-style: chr3-46860959-C-T. GRCh37 (hg19) VCF-style: chr3-46902449-C-T.
Other names: c.157+1G>A (NM_001406937.1, NM_001406939.1, NM_001406938.1); c.-18+1G>A (NM_001406940.1, NM_001406941.1).
Identifiers: ClinVar variation 1517630 (VCV001517630.7), dbSNP rs2106910461, ClinGen allele CA352498764.
Genomic context (GRCh38, chr3:46,860,959, plus strand): 5'-CCCTCAGACCAGGGAACCCCAGCCCAATCCTGCAACCCCTGGGTTCAAGACCCCTGCTCA[C>T]CTTCAATCTGCTCAGGTGTGAACTCAATCTGAAAAGAGACCCCAAAGACTCAGATGCCCG-3'

ClinVar aggregate classification (germline): Conflicting classifications of pathogenicity. Review status: criteria provided, conflicting classifications (1 of 4 stars). 2 submissions from 2 submitters: Pathogenic (1); Uncertain significance (1). Last evaluated 2024-08-05.

Conditions:
Hypertrophic cardiomyopathy 8. Also called: MYL3-Related Familial Hypertrophic Cardiomyopathy; CARDIOMYOPATHY, HYPERTROPHIC, MID-LEFT VENTRICULAR CHAMBER TYPE, 1. Identifiers: MedGen C1837471, MONDO:0012111, OMIM 608751.
Hypertrophic cardiomyopathy. Also called: HYPERTROPHIC MYOCARDIOPATHY. Identifiers: Orphanet 217569, MedGen C0007194, MeSH D002312, MONDO:0005045, HP:0001639.

Allele frequency attached by ClinVar (database versions not stated): gnomAD exomes below 0.00001.
gnomAD v4.1: 2 of 1,614,122 alleles (0.00012%); highest among the groups gnomAD compares: South Asian, 0.0011%; no homozygotes.

Submissions (2):

Labcorp Genetics (formerly Invitae), Labcorp
Classification: Uncertain significance for Hypertrophic cardiomyopathy. Last evaluated: 2024-08-05. Review status: criteria provided, single submitter. Criteria: Invitae Variant Classification Sherloc (09022015). Collection method: clinical testing. Allele origin: germline.
Comment: This sequence change affects a donor splice site in intron 2 of the MYL3 gene. It is expected to disrupt RNA splicing. Variants that disrupt the donor or acceptor splice site typically lead to a loss of protein function (PMID: 16199547), however the current clinical and genetic evidence is not sufficient to establish whether loss-of-function variants in MYL3 cause disease. This variant is not present in population databases (gnomAD no frequency). This variant has not been reported in the literature in individuals affected with MYL3-related conditions. ClinVar contains an entry for this variant (Variation ID: 1517630). Algorithms developed to predict the effect of sequence changes on RNA splicing suggest that this variant may disrupt the consensus splice site. In summary, the available evidence is currently insufficient to determine the role of this variant in disease. Therefore, it has been classified as a Variant of Uncertain Significance.

Mendelics
Classification: Pathogenic for Hypertrophic cardiomyopathy 8. Last evaluated: 2022-05-04. Review status: criteria provided, single submitter. Criteria: Mendelics Assertion Criteria 2019. Collection method: clinical testing. Allele origin: germline.

Literature cited by the submitters: PubMed 16199547 (cited by Labcorp Genetics (formerly Invitae), Labcorp).